The following is an entry in ClinVar:

NM_003612.5(SEMA7A):c.144A>T (p.Leu48=)

Genes: SEMA7A (semaphorin 7A (JohnMiltonHagen blood group); minus strand), LOC130057537 (ATAC-STARR-seq lymphoblastoid silent region 6651; plus strand). Cytogenetic location: 15q24.1.
Variant type: single nucleotide variant.
Coding change: c.144A>T on transcript NM_003612.5 (MANE Select); coding-DNA position 144, A replaced by T.
Protein change: p.Leu48=; no amino-acid change (leucine 48 retained).
Molecular consequence: synonymous variant.
Genome position (GRCh38, 1-based): chr15:74,433,775, T>A on the plus strand (A>T on the coding strand, the complement: SEMA7A is on the minus strand). VCF-style: chr15-74433775-T-A. GRCh37 (hg19) VCF-style: chr15-74726116-T-A.
Other names: c.144A>T, p.Leu48= (NM_001146029.3).
Identifiers: ClinVar variation 3047754 (VCV003047754.2), dbSNP rs2548360541, ClinGen allele CA491193244.

ClinVar aggregate classification (germline): Likely benign (0 of 4 stars; one submission).

Conditions:
SEMA7A-related disorder. Also called: SEMA7A-related condition.

Submission:

PreventionGenetics, part of Exact Sciences
Classification: Likely benign for SEMA7A-related condition. Last evaluated: 2019-02-20. Review status: no assertion criteria provided. Collection method: clinical testing. Allele origin: germline.
Comment: This variant is classified as likely benign based on ACMG/AMP sequence variant interpretation guidelines (Richards et al. 2015 PMID: 25741868, with internal and published modifications).